The following is an entry in ClinVar:

NM_015192.4(PLCB1):c.480G>T (p.Lys160Asn)

Gene: PLCB1 (phospholipase C beta 1; plus strand). Cytogenetic location: 20p12.3.
Variant type: single nucleotide variant.
Coding change: c.480G>T on transcript NM_015192.4 (MANE Select); coding-DNA position 480, G replaced by T.
Protein change: p.Lys160Asn; replaces lysine 160 with asparagine.
Molecular consequence: missense variant.
Genome position (GRCh38, 1-based): chr20:8,647,915, G>T. VCF-style: chr20-8647915-G-T. GRCh37 (hg19) VCF-style: chr20-8628562-G-T.
Other names: c.480G>T, p.Lys160Asn (NM_182734.3); short protein forms K160N.
Identifiers: ClinVar variation 2100564 (VCV002100564.4), dbSNP rs2515165789, ClinGen allele CA408262605.
Genomic context (GRCh38, chr20:8,647,915, plus strand): 5'-CTTTTTTAAAAAAATCAAACCCTTGTTTTTCTGCTTCTCCAACAGCTATACTAAACTTAA[G>T]CTGCAAGTCACTCCAGAAGGGCGTATTCCTCTCAAAAAGTAAGCTTTGTGAGCATTTCTC-3'
Protein context (NP_056007.1, residues 150-170): AFLEKAYTKL[Lys160Asn]LQVTPEGRIP

ClinVar aggregate classification (germline): Uncertain significance (1 of 4 stars; one submission).

Conditions:
Developmental and epileptic encephalopathy, 12 (DEE12). Identifiers: MedGen C3150988, MONDO:0013389, OMIM 613722.

Submission:

Labcorp Genetics (formerly Invitae), Labcorp
Classification: Uncertain significance for Developmental and epileptic encephalopathy, 12. Last evaluated: 2022-05-08. Review status: criteria provided, single submitter. Criteria: Invitae Variant Classification Sherloc (09022015). Collection method: clinical testing. Allele origin: germline.
Comment: This variant is not present in population databases (gnomAD no frequency). This sequence change replaces lysine, which is basic and polar, with asparagine, which is neutral and polar, at codon 160 of the PLCB1 protein (p.Lys160Asn). This variant has not been reported in the literature in individuals affected with PLCB1-related conditions. Algorithms developed to predict the effect of missense changes on protein structure and function (SIFT, PolyPhen-2, Align-GVGD) all suggest that this variant is likely to be tolerated. In summary, the available evidence is currently insufficient to determine the role of this variant in disease. Therefore, it has been classified as a Variant of Uncertain Significance.